The following is an entry in ClinVar:

NM_004444.5(EPHB4):c.919G>A (p.Gly307Arg)

Gene: EPHB4 (EPH receptor B4; minus strand). Cytogenetic location: 7q22.1.
Variant type: single nucleotide variant.
Coding change: c.919G>A on transcript NM_004444.5 (MANE Select); coding-DNA position 919, G replaced by A.
Protein change: p.Gly307Arg; replaces glycine 307 with arginine.
Molecular consequence: missense variant.
Genome position (GRCh38, 1-based): chr7:100,820,186, C>T on the plus strand (G>A on the coding strand, the complement: EPHB4 is on the minus strand). VCF-style: chr7-100820186-C-T. GRCh37 (hg19) VCF-style: chr7-100417808-C-T.
Other names: c.919G>A (NM_004444.4); short protein forms G307R.
Identifiers: ClinVar variation 3382054 (VCV003382054.3).

ClinVar aggregate classification (germline): Conflicting classifications of pathogenicity. Review status: criteria provided, conflicting classifications (1 of 4 stars). 2 submissions from 2 submitters: Likely pathogenic (1); Uncertain significance (1). Last evaluated 2025-05-30.

Conditions:
Lymphatic malformation 7 (LMPHM7). Also called: Hydrops fetalis, nonimmune, and/or atrial septal defect, susceptibility to. Identifiers: MedGen C4310629, MONDO:0015009, OMIM 617300.
Capillary malformation-arteriovenous malformation 2 (CMAVM2). Identifiers: Orphanet 693912, MedGen C4748670, MONDO:0020785, OMIM 618196.
Cardiovascular phenotype. Identifiers: MedGen CN230736.

gnomAD v4.1: 5 of 1,614,090 alleles (0.00031%); highest among the groups gnomAD compares: African/African-American, 0.0013%; no homozygotes.

Submissions (2):

Ambry Genetics
Classification: Likely pathogenic for Cardiovascular phenotype. Last evaluated: 2025-05-30. Review status: criteria provided, single submitter. Criteria: Ambry Variant Classification Scheme 2023. Collection method: clinical testing. Allele origin: germline.
Comment: The p.G307R variant (also known as c.919G>A), located in coding exon 5 of the EPHB4 gene, results from a G to A substitution at nucleotide position 919. The glycine at codon 307 is replaced by arginine, an amino acid with dissimilar properties. This variant was reported in individual(s) with features consistent with EPHB4-related vascular disorder (Ambry internal data). This nucleotide position is well conserved in available vertebrate species. In silico splice site analysis predicts that this alteration will result in the creation or strengthening of a novel splice donor site. RNA studies have demonstrated that this alteration results in abnormal splicing in the set of samples tested (Ambry internal data). Based on the majority of available evidence to date, this variant is likely to be pathogenic.

Juno Genomics, Hangzhou Juno Genomics, Inc
Classification: Uncertain significance for Capillary malformation-arteriovenous malformation 2; Lymphatic malformation 7. Review status: criteria provided, single submitter. Criteria: ACMG Guidelines, 2015. Collection method: clinical testing. Allele origin: germline. Affected: yes.
Comment: Absent from controls (or at extremely low frequency if recessive) in Genome Aggregation Database, Exome Sequencing Project, 1000 Genomes Project, or Exome Aggregation Consortium.;Multiple lines of computational evidence support a deleterious effect on the gene or gene product (conservation, evolutionary, splicing impact, etc).;Patient's phenotype or family history is highly specific for a disease with a single genetic etiology.